The following is an entry in ClinVar:

ClinVar aggregate classification (germline): Uncertain significance (1 of 4 stars; one submission).

Conditions:
TBC1D1-related disorder. Also called: TBC1D1-related condition.

Allele frequency attached by ClinVar (database versions not stated): gnomAD exomes below 0.00001; TOPMed below 0.00001; ExAC 0.00001; gnomAD 0.00001.
gnomAD v4.1: 2 of 1,611,762 alleles (0.00012%); highest among the groups gnomAD compares: East Asian, 0.0045%; no homozygotes.

Submission:

PreventionGenetics, part of Exact Sciences
Classification: Uncertain significance for TBC1D1-related condition. Last evaluated: 2024-11-07. Review status: criteria provided, single submitter. Criteria: ACMG Guidelines, 2015. Collection method: clinical testing. Allele origin: germline.
Comment: The TBC1D1 c.1069G>C variant is predicted to result in the amino acid substitution p.Glu357Gln. This variant was reported in an individual with Mayer-Rokitansky-Küster-Hauser syndrome (Chu et al. 2022. PubMed ID: 35361250). This variant is reported in 0.020% of alleles in individuals of East Asian descent in gnomAD. At this time, the clinical significance of this variant is uncertain due to the absence of conclusive functional and genetic evidence.

NM_001396959.1(TBC1D1):c.1069G>C (p.Glu357Gln)

Genes: TBC1D1 (TBC1 domain family member 1; plus strand), LOC126807034 (BRD4-independent group 4 enhancer GRCh37_chr4:38021983-38023182; plus strand). Cytogenetic location: 4p14.
Variant type: single nucleotide variant.
Coding change: c.1069G>C on transcript NM_001396959.1 (MANE Select); coding-DNA position 1069, G replaced by C.
Protein change: p.Glu357Gln; replaces glutamic acid 357 with glutamine.
Molecular consequence: missense variant.
Genome position (GRCh38, 1-based): chr4:38,020,687, G>C. VCF-style: chr4-38020687-G-C. GRCh37 (hg19) VCF-style: chr4-38022308-G-C.
Other names: c.1069G>C, p.Glu357Gln (NM_001253912.2, NM_015173.4); short protein forms E357Q.
Identifiers: ClinVar variation 2631046 (VCV002631046.2), dbSNP rs748001421, ClinGen allele CA2887612.
Genomic context (GRCh38, chr4:38,020,687, plus strand): 5'-CGGGAGTCTTCCGGAGGTGGCGGCTTTCATTTTGTCTGTTACGTGTTTCAGTGCACAAAT[G>C]AGGCTCTGGTGAGAGAGGACAAGCAATTCTTACCTTGGAACCTTCTTTACAAGGAATTTT-3'
Protein context (NP_001383888.1, residues 347-367): FVCYVFQCTN[Glu357Gln]ALVDEIMMTL